The following is an entry in ClinVar:

NM_001377.3(DYNC2H1):c.899A>G (p.His300Arg)

Gene: DYNC2H1 (dynein cytoplasmic 2 heavy chain 1; plus strand). Cytogenetic location: 11q22.3.
Variant type: single nucleotide variant.
Coding change: c.899A>G on transcript NM_001377.3 (MANE Select); coding-DNA position 899, A replaced by G.
Protein change: p.His300Arg; replaces histidine 300 with arginine.
Molecular consequence: missense variant.
Genome position (GRCh38, 1-based): chr11:103,117,763, A>G. VCF-style: chr11-103117763-A-G. GRCh37 (hg19) VCF-style: chr11-102988492-A-G.
Other names: c.899A>G, p.His300Arg (NM_001080463.2); c.899A>G (NM_001080463.1); short protein forms H300R.
Identifiers: ClinVar variation 811271 (VCV000811271.9), dbSNP rs775561158, ClinGen allele CA6252624.

ClinVar aggregate classification (germline): Uncertain significance. Review status: criteria provided, multiple submitters, no conflicts (2 of 4 stars). 2 submissions from 2 submitters: Uncertain significance (2). Last evaluated 2022-09-19.

Conditions:
DYNC2H1-related disorder. Also called: DYNC2H1-related condition; DYNC2H1-related disorders. Identifiers: MedGen CN378770.

Allele frequency attached by ClinVar (database versions not stated): gnomAD exomes below 0.00001; ExAC 0.00001; gnomAD 0.00001; TOPMed 0.00002.
gnomAD v4.1: 4 of 1,613,494 alleles (0.00025%); highest among the groups gnomAD compares: Admixed American, 0.0033%; no homozygotes.

Submissions (2):

PreventionGenetics, part of Exact Sciences
Classification: Uncertain significance for DYNC2H1-related condition. Last evaluated: 2022-09-19. Review status: criteria provided, single submitter. Criteria: ACMG Guidelines, 2015. Collection method: clinical testing. Allele origin: germline.
Comment: The DYNC2H1 c.899A>G variant is predicted to result in the amino acid substitution p.His300Arg. To our knowledge, this variant has not been reported in the literature. This variant is reported in 0.0029% of alleles in individuals of Latino descent in gnomAD. At this time, the clinical significance of this variant is uncertain due to the absence of conclusive functional and genetic evidence.

ARUP Laboratories, Molecular Genetics and Genomics, ARUP Laboratories
Classification: Uncertain significance. Last evaluated: 2019-01-24. Review status: criteria provided, single submitter. Criteria: ARUP Molecular Germline Variant Investigation Process. Collection method: clinical testing. Allele origin: germline.
Comment: The DYNC2H1 c.899A>G; p.His300Arg variant (rs775561158), to our knowledge, is not described in the medical literature or in gene-specific databases, and is only observed on 1 allele in the Genome Aggregation Database. The histidine at codon 300 is moderately conserved, and computational algorithms (PolyPhen-2, SIFT) predict that this variant is tolerated. However, due to the lack of clinical and functional data regarding this variant, its clinical significance cannot be determined with certainty.